The following is an entry in ClinVar:

ClinVar aggregate classification (germline): Uncertain significance. Review status: criteria provided, multiple submitters, no conflicts (2 of 4 stars). 2 submissions from 2 submitters: Uncertain significance (2). Last evaluated 2025-08-31.

Allele frequency attached by ClinVar (database versions not stated): gnomAD 0.00007; TOPMed 0.00009; ExAC 0.00012; 1000 Genomes Project 30x 0.00016; 1000 Genomes Project 0.00020.
gnomAD v4.1: 117 of 1,613,734 alleles (0.0073%); highest among the groups gnomAD compares: Middle Eastern, 0.016%; no homozygotes.

Submissions (2):

Ambry Genetics
Classification: Uncertain significance. Last evaluated: 2025-08-31. Review status: criteria provided, single submitter. Criteria: Ambry Variant Classification Scheme 2023. Collection method: clinical testing. Allele origin: germline.

Labcorp Genetics (formerly Invitae), Labcorp
Classification: Uncertain significance. Last evaluated: 2025-01-06. Review status: criteria provided, single submitter. Criteria: Invitae Variant Classification Sherloc (09022015). Collection method: clinical testing. Allele origin: germline.
Comment: This sequence change replaces alanine, which is neutral and non-polar, with threonine, which is neutral and polar, at codon 71 of the PNLIP protein (p.Ala71Thr). This variant is present in population databases (rs374563946, gnomAD 0.1%). This variant has not been reported in the literature in individuals affected with PNLIP-related conditions. ClinVar contains an entry for this variant (Variation ID: 2064239). Invitae Evidence Modeling of protein sequence and biophysical properties (such as structural, functional, and spatial information, amino acid conservation, physicochemical variation, residue mobility, and thermodynamic stability) indicates that this missense variant is not expected to disrupt PNLIP protein function with a negative predictive value of 80%. In summary, the available evidence is currently insufficient to determine the role of this variant in disease. Therefore, it has been classified as a Variant of Uncertain Significance.

NM_000936.4(PNLIP):c.211G>A (p.Ala71Thr)

Gene: PNLIP (pancreatic lipase; plus strand). Cytogenetic location: 10q25.3.
Variant type: single nucleotide variant.
Coding change: c.211G>A on transcript NM_000936.4 (MANE Select); coding-DNA position 211, G replaced by A.
Protein change: p.Ala71Thr; replaces alanine 71 with threonine.
Molecular consequence: missense variant.
Genome position (GRCh38, 1-based): chr10:116,548,369, G>A. VCF-style: chr10-116548369-G-A. GRCh37 (hg19) VCF-style: chr10-118307881-G-A.
Other names: c.211G>A (NM_000936.2); short protein forms A71T.
Identifiers: ClinVar variation 2064239 (VCV002064239.3), dbSNP rs374563946, ClinGen allele CA5706407.